The following is an entry in ClinVar:

NM_000080.4(CHRNE):c.588_594delinsCAG (p.Glu197fs)

Genes: C17orf107 (chromosome 17 open reading frame 107; plus strand), CHRNE (cholinergic receptor nicotinic epsilon subunit; minus strand). Cytogenetic location: 17p13.2.
Variant type: Indel.
Coding change: c.588_594delinsCAG on transcript NM_000080.4 (MANE Select); coding-DNA positions 588 to 594, AGAGGCC replaced by CAG.
Protein change: p.Glu197fs; shifts the reading frame from glutamic acid 197.
Molecular consequence: frameshift variant. On other transcripts: 3 prime UTR variant (1).
Genome position (GRCh38, 1-based): chr17:4,901,532-4,901,538, GGCCTCT replaced by CTG on the plus strand (AGAGGCC replaced by CAG on the coding strand, the reverse complement: CHRNE is on the minus strand). VCF-style: chr17-4901532-GGCCTCT-CTG. GRCh37 (hg19) VCF-style: chr17-4804827-GGCCTCT-CTG.
Other names: c.*999_*1005delinsCTG (NM_001145536.2); short protein forms E197fs.
Identifiers: ClinVar variation 5014320 (VCV005014320.1).

ClinVar aggregate classification (germline): Pathogenic (1 of 4 stars; one submission).

Conditions:
Congenital myasthenic syndrome (CMS). Also called: Congenital Myasthenic Syndromes. Identifiers: Orphanet 590, MedGen C0751882, MeSH D020294, MONDO:0018940.

Submission:

Myriad Genetics, Inc.
Classification: Pathogenic for Congenital myasthenic syndrome. Last evaluated: 2025-04-09. Review status: criteria provided, single submitter. Criteria: Myriad Autosomal Dominant, Autosomal Recessive and X-Linked Classification Criteria (2023). Collection method: clinical testing. Allele origin: unknown.
Comment: NM_000080.3(CHRNE):c.588_594del7ins3(E197Sfs*16) is expected to be pathogenic in the context of congenital myasthenic syndrome, CHRNE-related. This variant is predicted to lead to an abnormal or absent protein product due to the creation of a premature termination codon in CHRNE, a gene where loss-of-function variants are known to be pathogenic. Please note: this variant was assessed in the context of healthy population screening.